The following is an entry in ClinVar:

ClinVar aggregate classification (germline): Uncertain significance (1 of 4 stars; one submission).

Conditions:
Severe combined immunodeficiency due to DNA-PKcs deficiency. Also called: IMMUNODEFICIENCY 26 WITH NEUROLOGIC ABNORMALITIES; Immunodeficiency 26 with or without neurologic abnormalities. Identifiers: Orphanet 317425, MedGen C4014833, MONDO:0014423, OMIM 615966.

Submission:

Labcorp Genetics (formerly Invitae), Labcorp
Classification: Uncertain significance for Severe combined immunodeficiency due to DNA-PKcs deficiency. Last evaluated: 2023-07-07. Review status: criteria provided, single submitter. Criteria: Invitae Variant Classification Sherloc (09022015). Collection method: clinical testing. Allele origin: germline.
Comment: This sequence change creates a premature translational stop signal (p.Gly1513*) in the PRKDC gene. It is expected to result in an absent or disrupted protein product. However, the current clinical and genetic evidence is not sufficient to establish whether loss-of-function variants in PRKDC cause disease. This variant is not present in population databases (gnomAD no frequency). This variant has not been reported in the literature in individuals affected with PRKDC-related conditions. ClinVar contains an entry for this variant (Variation ID: 2099024). Algorithms developed to predict the effect of sequence changes on RNA splicing suggest that this variant may disrupt the consensus splice site. In summary, the available evidence is currently insufficient to determine the role of this variant in disease. Therefore, it has been classified as a Variant of Uncertain Significance.

NM_006904.7(PRKDC):c.4537G>T (p.Gly1513Ter)

Gene: PRKDC (protein kinase, DNA-activated, catalytic subunit; minus strand). Cytogenetic location: 8q11.21.
Variant type: single nucleotide variant.
Coding change: c.4537G>T on transcript NM_006904.7 (MANE Select); coding-DNA position 4537, G replaced by T.
Protein change: p.Gly1513Ter; replaces glycine 1513 with a stop codon.
Molecular consequence: nonsense.
Genome position (GRCh38, 1-based): chr8:47,887,582, C>A on the plus strand (G>T on the coding strand, the complement: PRKDC is on the minus strand). VCF-style: chr8-47887582-C-A. GRCh37 (hg19) VCF-style: chr8-48800143-C-A.
Other names: c.4537G>T, p.Gly1513Ter (NM_001081640.2); short protein forms G1513*.
Identifiers: ClinVar variation 2099024 (VCV002099024.4), dbSNP rs567617670, ClinGen allele CA371143775.
Genomic context (GRCh38, chr8:47,887,582, plus strand): 5'-CAGCATGCAGAGGCGTTTTTCCTACCAGTCCTCCAAAAGCAAAGGCTAACTCCAGAAGTC[C>A]GCTGGCCAGCTGCTTACAACTGAGGTCTAGAGAAGGCAGACACTGTCTCTCATCTCCAGG-3'